The following is an entry in ClinVar:

NM_000180.4(GUCY2D):c.2968G>A (p.Gly990Ser)

Gene: GUCY2D (guanylate cyclase 2D, retinal; plus strand). Cytogenetic location: 17p13.1.
Variant type: single nucleotide variant.
Coding change: c.2968G>A on transcript NM_000180.4 (MANE Select); coding-DNA position 2968, G replaced by A.
Protein change: p.Gly990Ser; replaces glycine 990 with serine.
Molecular consequence: missense variant.
Genome position (GRCh38, 1-based): chr17:8,015,766, G>A. VCF-style: chr17-8015766-G-A. GRCh37 (hg19) VCF-style: chr17-7919084-G-A.
Other names: short protein forms G990S.
Identifiers: ClinVar variation 4782768 (VCV004782768.1).
Genomic context (GRCh38, chr17:8,015,766, plus strand): 5'-GCCCTGCTAGCCCCGCCGACCCCCAGCATCTCCACAGGTCCATGCGTGGCAGGCGTGGTG[G>A]GCCTCACCATGCCGCGGTACTGCCTGTTTGGGGACACGGTCAACACCGCCTCGCGCATGG-3'
Protein context (NP_000171.1, residues 980-1000): HSGPCVAGVV[Gly990Ser]LTMPRYCLFG

ClinVar aggregate classification (germline): Uncertain significance (1 of 4 stars; one submission).

Conditions:
Leber congenital amaurosis 1 (LCA1). Also called: AMAUROSIS CONGENITA OF LEBER I; RETINAL BLINDNESS, CONGENITAL; Congenital absence of the rods and cones; Leber's congenital tapetoretinal degeneration; Leber's congenital tapetoretinal dysplasia. Identifiers: Orphanet 65, MedGen C2931258, MONDO:0008764, OMIM 204000.
Cone-rod dystrophy 6 (CORD6). Also called: RETINAL CONE DYSTROPHY 2; Cone dystrophy progressive. Identifiers: Orphanet 1872, MedGen C1866293, MONDO:0011143, OMIM 601777.

Submission:

Labcorp Genetics (formerly Invitae), Labcorp
Classification: Uncertain significance for Leber congenital amaurosis 1; Cone-rod dystrophy 6. Last evaluated: 2025-05-05. Review status: criteria provided, single submitter. Criteria: Invitae Variant Classification Sherloc (09022015). Collection method: clinical testing. Allele origin: germline.
Comment: This sequence change replaces glycine, which is neutral and non-polar, with serine, which is neutral and polar, at codon 990 of the GUCY2D protein (p.Gly990Ser). This variant is not present in population databases (gnomAD no frequency). This variant has not been reported in the literature in individuals affected with GUCY2D-related conditions. Invitae Evidence Modeling of protein sequence and biophysical properties (such as structural, functional, and spatial information, amino acid conservation, physicochemical variation, residue mobility, and thermodynamic stability) has been performed for this missense variant. However, the output from this modeling did not meet the statistical confidence thresholds required to predict the impact of this variant on GUCY2D protein function. In summary, the available evidence is currently insufficient to determine the role of this variant in disease. Therefore, it has been classified as a Variant of Uncertain Significance.